The following is an entry in ClinVar:

NM_017780.4(CHD7):c.8294A>T (p.Gln2765Leu)

Gene: CHD7 (chromodomain helicase DNA binding protein 7; plus strand). Cytogenetic location: 8q12.2.
Variant type: single nucleotide variant.
Coding change: c.8294A>T on transcript NM_017780.4 (MANE Select); coding-DNA position 8294, A replaced by T.
Protein change: p.Gln2765Leu; replaces glutamine 2765 with leucine.
Molecular consequence: missense variant.
Genome position (GRCh38, 1-based): chr8:60,865,233, A>T. VCF-style: chr8-60865233-A-T. GRCh37 (hg19) VCF-style: chr8-61777792-A-T.
Other names: c.2147A>T, p.Gln716Leu (NM_001316690.1); short protein forms Q2765L, Q716L.
Identifiers: ClinVar variation 1331252 (VCV001331252.2), dbSNP rs1806184554, ClinGen allele CA371308142.

ClinVar aggregate classification (germline): Uncertain significance (1 of 4 stars; one submission).

Submission:

GeneDx
Classification: Uncertain significance. Last evaluated: 2021-07-02. Review status: criteria provided, single submitter. Criteria: GeneDx Variant Classification Process June 2021. Collection method: clinical testing. Allele origin: germline. Affected: yes.
Comment: Not observed at significant frequency in large population cohorts (Lek et al., 2016); In silico analysis supports that this missense variant has a deleterious effect on protein structure/function; In silico analysis, which includes splice predictors and evolutionary conservation, suggests this variant may impact gene splicing. In the absence of RNA/functional studies, the actual effect of this sequence change is unknown.; Has not been previously published as pathogenic or benign to our knowledge; This variant is associated with the following publications: (PMID: 27535533)